The following is an entry in ClinVar:

NM_013447.4(ADGRE2):c.31+3A>G

Gene: ADGRE2 (adhesion G protein-coupled receptor E2; minus strand). Cytogenetic location: 19p13.12.
Variant type: single nucleotide variant.
Coding change: c.31+3A>G on transcript NM_013447.4 (MANE Select); 3 bases into the intron after coding-DNA position 31, A replaced by G.
Molecular consequence: intron variant.
Genome position (GRCh38, 1-based): chr19:14,776,723, T>C on the plus strand (A>G on the coding strand, the complement: ADGRE2 is on the minus strand). VCF-style: chr19-14776723-T-C. GRCh37 (hg19) VCF-style: chr19-14887535-T-C.
Other names: c.31+3A>G (NM_001271052.1).
Identifiers: ClinVar variation 2176469 (VCV002176469.4), dbSNP rs201187276, ClinGen allele CA9258355.

ClinVar aggregate classification (germline): Uncertain significance (1 of 4 stars; one submission).

Allele frequency attached by ClinVar (database versions not stated): ExAC 0.00003; gnomAD 0.00003; gnomAD exomes 0.00005; TOPMed 0.00005; 1000 Genomes Project 0.00020; 1000 Genomes Project 30x 0.00031.
gnomAD v4.1: 74 of 1,612,186 alleles (0.0046%); highest among the groups gnomAD compares: Admixed American, 0.017%; no homozygotes.

Submission:

Labcorp Genetics (formerly Invitae), Labcorp
Classification: Uncertain significance. Last evaluated: 2025-10-26. Review status: criteria provided, single submitter. Criteria: Invitae Variant Classification Sherloc (09022015). Collection method: clinical testing. Allele origin: germline.
Comment: This sequence change falls in intron 2 of the ADGRE2 gene. It does not directly change the encoded amino acid sequence of the ADGRE2 protein. It affects a nucleotide within the consensus splice site. This variant is present in population databases (rs201187276, gnomAD 0.01%). This variant has not been reported in the literature in individuals affected with ADGRE2-related conditions. ClinVar contains an entry for this variant (Variation ID: 2176469). Variants that disrupt the consensus splice site are a relatively common cause of aberrant splicing (PMID: 17576681, 9536098). Algorithms developed to predict the effect of sequence changes on RNA splicing suggest that this variant is not likely to affect RNA splicing. In summary, the available evidence is currently insufficient to determine the role of this variant in disease. Therefore, it has been classified as a Variant of Uncertain Significance.

Literature cited by the submitters: PubMed 17576681; PubMed 9536098.